The following is an entry in ClinVar:

ClinVar aggregate classification (germline): Uncertain significance (1 of 4 stars; one submission).

Conditions:
Autosomal dominant Alport syndrome (ATS3A). Also called: Alport syndrome dominant type; Renal failure and sensorineural hearing loss; ALPORT SYNDROME 3A, AUTOSOMAL DOMINANT. Identifiers: Orphanet 63, Orphanet 88918, MedGen C5882663, MONDO:0007086, OMIM 104200.

gnomAD v4.1: 2 of 1,613,940 alleles (0.00012%); highest among the groups gnomAD compares: Middle Eastern, 0.016%; no homozygotes.

Submission:

Genetics laboratory, Institute of Kidney Diseases & Research Centre Dr. H.L. Trivedi Institute Of Transplantation Sciences
Classification: Uncertain significance for Autosomal dominant Alport syndrome. Last evaluated: 2026-05-26. Review status: criteria provided, single submitter. Criteria: ACMG Guidelines, 2015. Collection method: clinical testing. Allele origin: germline. Inheritance: Autosomal dominant inheritance. Affected: yes. Observed: 1 variant allele, 1 heterozygote.
Comment: A heterozygous missense variant, c.2659G>A (p.Glu887Lys), was identified in the COL4A3 gene. This variant is extremely rare (or absent) in population databases; however, there is currently insufficient evidence to establish its pathogenicity. The affected amino acid is not a glycine residue within the collagenous Gly-X-Y repeat, which is the major pathogenic mechanism in COL4A3-related disorders. There are no well-established functional studies, segregation data, or sufficient published clinical evidence supporting a pathogenic role for this specific variant. Therefore, according to ACMG/AMP guidelines, the variant is classified as a Variant of Uncertain Significance (VUS).

NM_000091.5(COL4A3):c.2659G>A (p.Glu887Lys)

Genes: COL4A3 (collagen type IV alpha 3 chain; plus strand), MFF-DT (MFF divergent transcript; minus strand). Cytogenetic location: 2q36.3.
Variant type: single nucleotide variant.
Coding change: c.2659G>A on transcript NM_000091.5 (MANE Select); coding-DNA position 2659, G replaced by A.
Protein change: p.Glu887Lys; replaces glutamic acid 887 with lysine.
Molecular consequence: missense variant.
Genome position (GRCh38, 1-based): chr2:227,283,769, G>A. VCF-style: chr2-227283769-G-A. GRCh37 (hg19) VCF-style: chr2-228148485-G-A.
Other names: short protein forms E887K.
Identifiers: ClinVar variation 4880355 (VCV004880355.1).